The following is an entry in ClinVar:

NM_014780.5(CUL7):c.3470A>G (p.Asn1157Ser)

Gene: CUL7 (cullin 7; minus strand). Cytogenetic location: 6p21.1.
Variant type: single nucleotide variant.
Coding change: c.3470A>G on transcript NM_014780.5 (MANE Select); coding-DNA position 3470, A replaced by G.
Protein change: p.Asn1157Ser; replaces asparagine 1157 with serine.
Molecular consequence: missense variant.
Genome position (GRCh38, 1-based): chr6:43,042,977, T>C on the plus strand (A>G on the coding strand, the complement: CUL7 is on the minus strand). VCF-style: chr6-43042977-T-C. GRCh37 (hg19) VCF-style: chr6-43010715-T-C.
Other names: c.3566A>G, p.Asn1189Ser (NM_001168370.2, NM_001374872.1); c.3470A>G, p.Asn1157Ser (NM_001374873.1); c.3467A>G, p.Asn1156Ser (NM_001374874.1); short protein forms N1156S, N1157S, N1189S.
Identifiers: ClinVar variation 1520741 (VCV001520741.8), dbSNP rs2150315991, ClinGen allele CA364203136.
Genomic context (GRCh38, chr6:43,042,977, plus strand): 5'-TTAAAGTGCTCACAGTAGCGTGGCACAAAGTCATCATCCCGCCAGGATGAGGTCAGAAAA[T>C]TGTTCACCTGGAAGGAAGGGGCAGGAGCATGAAGACACAACCCAACATGCCACCATTATG-3'
Protein context (NP_055595.2, residues 1147-1167): WRAVVEKQVN[Asn1157Ser]FLTSSWRDDD

ClinVar aggregate classification (germline): Uncertain significance (1 of 4 stars; one submission).

gnomAD v4.1: 2 of 1,613,826 alleles (0.00012%); highest among the groups gnomAD compares: Non-Finnish European, 0.00017%; no homozygotes.

Submission:

Labcorp Genetics (formerly Invitae), Labcorp
Classification: Uncertain significance. Last evaluated: 2022-08-31. Review status: criteria provided, single submitter. Criteria: Invitae Variant Classification Sherloc (09022015). Collection method: clinical testing. Allele origin: germline.
Comment: In summary, the available evidence is currently insufficient to determine the role of this variant in disease. Therefore, it has been classified as a Variant of Uncertain Significance. Algorithms developed to predict the effect of missense changes on protein structure and function output the following: SIFT: "Tolerated"; PolyPhen-2: "Benign"; Align-GVGD: "Class C0". The serine amino acid residue is found in multiple mammalian species, which suggests that this missense change does not adversely affect protein function. ClinVar contains an entry for this variant (Variation ID: 1520741). This variant has not been reported in the literature in individuals affected with CUL7-related conditions. This variant is not present in population databases (gnomAD no frequency). This sequence change replaces asparagine, which is neutral and polar, with serine, which is neutral and polar, at codon 1157 of the CUL7 protein (p.Asn1157Ser).